The following is an entry in ClinVar:

NM_001010867.4(IBA57):c.679+3A>G

Gene: IBA57 (iron-sulfur cluster assembly factor IBA57; plus strand). Cytogenetic location: 1q42.13.
Variant type: single nucleotide variant.
Coding change: c.679+3A>G on transcript NM_001010867.4 (MANE Select); 3 bases into the intron after coding-DNA position 679, A replaced by G.
Molecular consequence: intron variant.
Genome position (GRCh38, 1-based): chr1:228,175,032, A>G. VCF-style: chr1-228175032-A-G. GRCh37 (hg19) VCF-style: chr1-228362733-A-G.
Other names: c.100+3A>G (NM_001310327.2); c.679+3A>G (NM_001010867.2, NM_001010867.3).
Identifiers: ClinVar variation 1064622 (VCV001064622.12), dbSNP rs754620334, ClinGen allele CA1431209.

ClinVar aggregate classification (germline): Conflicting classifications of pathogenicity. Review status: criteria provided, conflicting classifications (1 of 4 stars). 7 submissions from 7 submitters: Likely pathogenic (3); Uncertain significance (4). Last evaluated 2023-03-29.

Conditions:
Hereditary spastic paraplegia 74. Also called: Spastic paraplegia 74, autosomal recessive. Identifiers: Orphanet 468661, MedGen C5568837, MONDO:0014644, OMIM 616451.
Multiple mitochondrial dysfunctions syndrome 3 (MMDS3). Identifiers: Orphanet 363424, MedGen C3809165, MONDO:0014132, OMIM 615330.

Allele frequency attached by ClinVar (database versions not stated): TOPMed 0.00006; ExAC 0.00001; gnomAD exomes 0.00005 and 0.00001; gnomAD 0.00006.
gnomAD v4.1: 84 of 1,556,474 alleles (0.0054%); highest among the groups gnomAD compares: Non-Finnish European, 0.0069%; 1 homozygote.

Submissions (7):

GeneDx
Classification: Likely pathogenic. Last evaluated: 2023-03-29. Review status: criteria provided, single submitter. Criteria: GeneDx Variant Classification Process June 2021. Collection method: clinical testing. Allele origin: germline. Affected: yes.
Comment: Published functional studies suggest a damaging effect, specifically retention of an intron leading to a frameshift and premature termination codon (Bournazos et al., 2022); Not observed at significant frequency in large population cohorts (gnomAD); This variant is associated with the following publications: (PMID: 34906502)

Blueprint Genetics
Classification: Uncertain significance. Last evaluated: 2022-06-22. Review status: criteria provided, single submitter. Criteria: ACMG Guidelines, 2015. Collection method: clinical testing. Allele origin: germline.

Victorian Clinical Genetics Services, Murdoch Childrens Research Institute
Classification: Likely pathogenic for Hereditary spastic paraplegia 74. Last evaluated: 2022-02-02. Review status: criteria provided, single submitter. Criteria: ACMG Guidelines, 2015. Collection method: clinical testing. Allele origin: germline. Inheritance: Autosomal recessive inheritance.
Comment: Based on the classification scheme VCGS_Germline_v1.3.4, this variant is classified as Likely pathogenic. Following criteria are met: 0102 - Loss of function is a known mechanism of disease in this gene and is associated with Spastic paraplegia 74 (MIM#616451). (I) 0106 - This gene is associated with autosomal recessive disease. (I) 0210 - Splice site variant proven to affect splicing of the transcript with a known effect on protein sequence. The non-canonical splice site variant is predicted to cause a frameshift which results in a truncated variant (Splicing Diagnostics, Kids Neuroscience Centre). (SP) 0251 - This variant is heterozygous. (I) 0304 - Variant is present in gnomAD (v3) <0.01 for a recessive condition (9 heterozygotes, 0 homozygotes). (SP) 0703 - Other truncating variants comparable to the one identified in this case have moderate previous evidence for pathogenicity. Two other truncating variants downstream of this variant have been reported as pathogenic (ClinVar). (SP) 0807 - This variant has no previous evidence of pathogenicity. (I) 0905 - No published segregation evidence has been identified for this variant. (I) 1007 - No published functional evidence has been identified for this variant. (I) 1201 - Heterozygous variant detected in trans with a second likely pathogenic heterozygous variant (p.(Ala88Glyfs*22)) in a recessive disease. (I) Legend: (SP) - Supporting pathogenic, (I) - Information, (SB) - Supporting benign

Labcorp Genetics (formerly Invitae), Labcorp
Classification: Uncertain significance for Multiple mitochondrial dysfunctions syndrome 3; Hereditary spastic paraplegia 74. Last evaluated: 2021-12-02. Review status: criteria provided, single submitter. Criteria: Invitae Variant Classification Sherloc (09022015). Collection method: clinical testing. Allele origin: germline.
Comment: This variant is present in population databases (rs754620334, gnomAD 0.009%). This sequence change falls in intron 2 of the IBA57 gene. It does not directly change the encoded amino acid sequence of the IBA57 protein. It affects a nucleotide within the consensus splice site. This variant has not been reported in the literature in individuals affected with IBA57-related conditions. In summary, the available evidence is currently insufficient to determine the role of this variant in disease. Therefore, it has been classified as a Variant of Uncertain Significance. Variants that disrupt the consensus splice site are a relatively common cause of aberrant splicing (PMID: 17576681, 9536098). Algorithms developed to predict the effect of sequence changes on RNA splicing suggest that this variant may disrupt the consensus splice site. ClinVar contains an entry for this variant (Variation ID: 1064622).

Revvity Omics, Revvity
Classification: Uncertain significance. Last evaluated: 2019-03-16. Review status: criteria provided, single submitter. Criteria: ACMG Guidelines, 2015. Collection method: clinical testing. Allele origin: germline.

Kids Neuroscience Centre, Sydney Children's Hospitals Network
Classification: Likely pathogenic for Hereditary spastic paraplegia 74. Review status: criteria provided, single submitter. Criteria: Bournazos AM et al. (Genet Med 2021). Collection method: clinical testing. Allele origin: maternal, paternal, unknown. Inheritance: Autosomal recessive inheritance. Affected: yes and no. Observed: 1 heterozygote, 2 compound heterozygotes.
Comment: Detected increased levels of IBA57 intron 2 retention (r.679_680ins[679+1_680-1]), relative to controls, in transcripts expressed from the maternal allele. These transcripts encode an IBA57 protein with 53 ectopic missense amino acids, and truncated by 128 amino acid residues from the C-terminus, including 106 residues from the glycine cleavage T-protein domain (p.(Pro229Glyfs*53))

Neuberg Centre For Genomic Medicine, NCGM
Classification: Uncertain significance for Multiple mitochondrial dysfunctions syndrome 3. Review status: criteria provided, single submitter. Criteria: ACMG Guidelines, 2015. Collection method: clinical testing. Allele origin: germline. Inheritance: Autosomal recessive inheritance. Affected: yes.
Comment: The splice site c.679+3A>G variant in IBA57 gene has not been reported previously as a pathogenic variant nor as a benign variant, to our knowledge. This variant has been reported to the ClinVar database as Likely Pathogenic but in silico predictions do not show a damaging effect and the nucleotide is weakly conserved across residues. The variant is novel (not in any individuals) in 1000 Genomes and allele frequency of 0.00001260 is reported in gnomAD. For these reasons, this variant has been classified as Uncertain Significance .

Literature cited by the submitters: PubMed 17576681 (cited by Labcorp Genetics (formerly Invitae), Labcorp); PubMed 9536098 (cited by Labcorp Genetics (formerly Invitae), Labcorp).